The following is an entry in ClinVar:

NM_014332.3(SMPX):c.66G>A (p.Met22Ile)

Gene: SMPX (small muscle protein X-linked; minus strand). Cytogenetic location: Xp22.12.
Variant type: single nucleotide variant.
Coding change: c.66G>A on transcript NM_014332.3 (MANE Select); coding-DNA position 66, G replaced by A.
Protein change: p.Met22Ile; replaces methionine 22 with isoleucine.
Molecular consequence: missense variant. On other transcripts: non-coding transcript variant (1).
Genome position (GRCh38, 1-based): chrX:21,743,816, C>T on the plus strand (G>A on the coding strand, the complement: SMPX is on the minus strand). VCF-style: chrX-21743816-C-T. GRCh37 (hg19) VCF-style: chrX-21761934-C-T.
Other names: short protein forms M22I.
Identifiers: ClinVar variation 2701891 (VCV002701891.3), dbSNP rs2519508554, ClinGen allele CA412562812.

ClinVar aggregate classification (germline): Uncertain significance (1 of 4 stars; one submission).

Submission:

Labcorp Genetics (formerly Invitae), Labcorp
Classification: Uncertain significance. Last evaluated: 2023-12-12. Review status: criteria provided, single submitter. Criteria: Invitae Variant Classification Sherloc (09022015). Collection method: clinical testing. Allele origin: germline.
Comment: This sequence change replaces methionine, which is neutral and non-polar, with isoleucine, which is neutral and non-polar, at codon 22 of the SMPX protein (p.Met22Ile). This variant is not present in population databases (gnomAD no frequency). This variant has not been reported in the literature in individuals affected with SMPX-related conditions. An algorithm developed to predict the effect of missense changes on protein structure and function (PolyPhen-2) suggests that this variant is likely to be disruptive. In summary, the available evidence is currently insufficient to determine the role of this variant in disease. Therefore, it has been classified as a Variant of Uncertain Significance.